The following is an entry in ClinVar:

ClinVar aggregate classification (germline): Benign. Review status: criteria provided, multiple submitters, no conflicts (2 of 4 stars). 5 submissions from 5 submitters: Benign (5). Last evaluated 2026-02-02.

Conditions:
Oculotrichoanal syndrome (MOTA). Also called: MARLES SYNDROME; Manitoba Oculotrichoanal (MOTA) Syndrome. Identifiers: Orphanet 2717, MedGen C1855425, MONDO:0009560, OMIM 248450.

Allele frequency attached by ClinVar (database versions not stated): ESP Exome Variant Server 0.02351; gnomAD 0.02436 and 0.02530; TOPMed 0.02891; 1000 Genomes Project 0.03814; 1000 Genomes Project 30x 0.04029.
gnomAD v4.1: 12,575 of 1,612,594 alleles (0.78%); highest among the groups gnomAD compares: African/African-American, 7.4%; 290 homozygotes.

Submissions (5):

Labcorp Genetics (formerly Invitae), Labcorp
Classification: Benign. Last evaluated: 2026-02-02. Review status: criteria provided, single submitter. Criteria: Invitae Variant Classification Sherloc (09022015). Collection method: clinical testing. Allele origin: germline.

Mayo Clinic Laboratories, Mayo Clinic
Classification: Benign. Last evaluated: 2023-03-26. Review status: criteria provided, single submitter. Criteria: ACMG Guidelines, 2015. Collection method: clinical testing. Allele origin: germline. Observed: 5 variant alleles.

GeneDx
Classification: Benign. Last evaluated: 2021-05-05. Review status: criteria provided, single submitter. Criteria: GeneDx Variant Classification Process June 2021. Collection method: clinical testing. Allele origin: germline. Affected: yes.

Illumina Laboratory Services, Illumina
Classification: Benign for Oculotrichoanal syndrome. Last evaluated: 2018-01-13. Review status: criteria provided, single submitter. Criteria: ICSL Variant Classification Criteria 13 December 2019. Collection method: clinical testing. Allele origin: germline.
Comment: This variant was observed in the ICSL laboratory as part of a predisposition screen in an ostensibly healthy population. It had not been previously curated by ICSL or reported in the Human Gene Mutation Database (HGMD: prior to June 1st, 2018), and was therefore a candidate for classification through an automated scoring system. Utilizing variant allele frequency, disease prevalence and penetrance estimates, and inheritance mode, an automated score was calculated to assess if this variant is too frequent to cause the disease. Based on the score and internal cut-off values, a variant classified as benign is not then subjected to further curation. The score for this variant resulted in a classification of benign for this disease.

Breakthrough Genomics
Classification: Benign. Review status: criteria provided, single submitter. Criteria: ACMG Guidelines, 2015. Collection method: not provided. Allele origin: germline. Inheritance: Autosomal recessive inheritance. Affected: yes.

NM_001379081.2(FREM1):c.840G>A (p.Ala280=)

Gene: FREM1 (FRAS1 related extracellular matrix 1; minus strand). Cytogenetic location: 9p22.3.
Variant type: single nucleotide variant.
Coding change: c.840G>A on transcript NM_001379081.2 (MANE Select); coding-DNA position 840, G replaced by A.
Protein change: p.Ala280=; no amino-acid change (alanine 280 retained).
Molecular consequence: synonymous variant. On other transcripts: non-coding transcript variant (4).
Genome position (GRCh38, 1-based): chr9:14,851,596, C>T on the plus strand (G>A on the coding strand, the complement: FREM1 is on the minus strand). VCF-style: chr9-14851596-C-T. GRCh37 (hg19) VCF-style: chr9-14851594-C-T.
Other names: p.Ala280=; c.867G>A, p.Ala289= (NM_001370060.1); c.840G>A, p.Ala280= (NM_001370063.1, NM_001370065.1, NM_144966.7).
Identifiers: ClinVar variation 366165 (VCV000366165.17), dbSNP rs41313784, ClinGen allele CA4991430.